The following is an entry in ClinVar:

ClinVar aggregate classification (germline): Uncertain significance. Review status: criteria provided, multiple submitters, no conflicts (2 of 4 stars). 3 submissions from 3 submitters: Uncertain significance (3). Last evaluated 2023-08-17.

Conditions:
Diffuse cerebral and cerebellar atrophy - intractable seizures - progressive microcephaly syndrome. Also called: Microcephaly, progressive, with seizures and cerebral and cerebellar atrophy. Identifiers: Orphanet 404437, MedGen C4014239, MONDO:0014335, OMIM 615760.

Allele frequency attached by ClinVar (database versions not stated): gnomAD 0.00003 and 0.00006; TOPMed 0.00003.

Submissions (3):

Blueprint Genetics
Classification: Uncertain significance. Last evaluated: 2023-08-17. Review status: criteria provided, single submitter. Criteria: ACMG Guidelines, 2015. Collection method: clinical testing. Allele origin: germline.

Labcorp Genetics (formerly Invitae), Labcorp
Classification: Uncertain significance for Diffuse cerebral and cerebellar atrophy - intractable seizures - progressive microcephaly syndrome. Last evaluated: 2022-07-29. Review status: criteria provided, single submitter. Criteria: Invitae Variant Classification Sherloc (09022015). Collection method: clinical testing. Allele origin: germline.
Comment: This sequence change replaces threonine, which is neutral and polar, with methionine, which is neutral and non-polar, at codon 520 of the QARS protein (p.Thr520Met). This variant is present in population databases (rs764216449, gnomAD 0.006%). This variant has not been reported in the literature in individuals affected with QARS-related conditions. ClinVar contains an entry for this variant (Variation ID: 392210). Algorithms developed to predict the effect of missense changes on protein structure and function are either unavailable or do not agree on the potential impact of this missense change (SIFT: "Deleterious"; PolyPhen-2: "Probably Damaging"; Align-GVGD: "Class C15"). In summary, the available evidence is currently insufficient to determine the role of this variant in disease. Therefore, it has been classified as a Variant of Uncertain Significance.

GeneDx
Classification: Uncertain significance. Last evaluated: 2016-12-29. Review status: criteria provided, single submitter. Criteria: GeneDx Variant Classification (06012015). Collection method: clinical testing. Allele origin: germline. Affected: yes.
Comment: A variant of uncertain significance has been identified in the QARS gene. The T520M variant has not been published as a pathogenic variant, nor has it been reported as a benign variant to our knowledge. The T520M variant is not observed at a significant frequency in large population cohorts (Lek et al., 2016; 1000 Genomes Consortium et al., 2015; Exome Variant Server). The T520M variant is a non-conservative amino acid substitution, which is likely to impact secondary protein structure as these residues differ in polarity, charge, size and/or other properties. This substitution occurs at a position that is conserved across species and in silico analysis predicts this variant is probably damaging to the protein structure/function. Based on the currently available information, it is unclear whether this variant is a pathogenic variant or a rare benign variant.

NM_005051.3(QARS1):c.1559C>T (p.Thr520Met)

Gene: QARS1 (glutaminyl-tRNA synthetase 1; minus strand). Cytogenetic location: 3p21.31.
Variant type: single nucleotide variant.
Coding change: c.1559C>T on transcript NM_005051.3 (MANE Select); coding-DNA position 1559, C replaced by T.
Protein change: p.Thr520Met; replaces threonine 520 with methionine.
Molecular consequence: missense variant. On other transcripts: non-coding transcript variant (1).
Genome position (GRCh38, 1-based): chr3:49,099,399, G>A on the plus strand (C>T on the coding strand, the complement: QARS1 is on the minus strand). VCF-style: chr3-49099399-G-A. GRCh37 (hg19) VCF-style: chr3-49136832-G-A.
Other names: c.1526C>T, p.Thr509Met (NM_001272073.2); short protein forms T520M, T509M.
Identifiers: ClinVar variation 392210 (VCV000392210.7), dbSNP rs764216449, ClinGen allele CA2391708.
Genomic context (GRCh38, chr3:49,099,399, plus strand): 5'-TATACCCGGGCACAGAAGTTGTTGATGGCCTCAGGTGGGAAGCCCCGCCGTCGCAGGGCC[G>A]TGAGTGTAAAGAGCCGTGGGTCATCCCAGTCCCTGTGGATAAGAAGGTGGTGAGAAGGCC-3'
Protein context (NP_005042.1, residues 510-530): DWDDPRLFTL[Thr520Met]ALRRRGFPPE